The following is an entry in ClinVar:

ClinVar aggregate classification (germline): Uncertain significance (1 of 4 stars; one submission).

Submission:

GeneDx
Classification: Uncertain significance. Last evaluated: 2025-06-08. Review status: criteria provided, single submitter. Criteria: GeneDx Variant Classification Process June 2021. Collection method: clinical testing. Allele origin: germline. Affected: yes.
Comment: Not observed at significant frequency in large population cohorts (gnomAD); In silico analysis suggests that this missense variant does not alter protein structure/function; Has not been previously published as pathogenic or benign to our knowledge

NM_021964.3(ZNF148):c.479A>G (p.Asp160Gly)

Gene: ZNF148 (zinc finger protein 148; minus strand). Cytogenetic location: 3q21.2.
Variant type: single nucleotide variant.
Coding change: c.479A>G on transcript NM_021964.3 (MANE Select); coding-DNA position 479, A replaced by G.
Protein change: p.Asp160Gly; replaces aspartic acid 160 with glycine.
Molecular consequence: missense variant.
Genome position (GRCh38, 1-based): chr3:125,279,228, T>C on the plus strand (A>G on the coding strand, the complement: ZNF148 is on the minus strand). VCF-style: chr3-125279228-T-C. GRCh37 (hg19) VCF-style: chr3-124998072-T-C.
Other names: c.479A>G, p.Asp160Gly (NM_001348424.1, NM_001348425.2, NM_001348426.2 and 8 more transcripts); c.353A>G, p.Asp118Gly (NM_001348434.2); short protein forms D118G, D160G.
Identifiers: ClinVar variation 4536184 (VCV004536184.1).
Genomic context (GRCh38, chr3:125,279,228, plus strand): 5'-AAGGCAGCATTGCAGTGCTCACAAACGTGAGATTTAGGGGTTTTCAAACCAAGTGATCCA[T>C]CCTCATTTATTGTAAGGATCTAGTTCAAAAAAAAAAAGGCAAAAACAAAAGAAATAAGTT-3'
Protein context (NP_068799.2, residues 150-170): SPAKILTINE[Asp160Gly]GSLGLKTPKS